The following is an entry in ClinVar:

NM_001366418.1(SETDB1):c.3384G>A (p.Ala1128=)

Gene: SETDB1 (SET domain bifurcated histone lysine methyltransferase 1; plus strand). Cytogenetic location: 1q21.3.
Variant type: single nucleotide variant.
Coding change: c.3384G>A on transcript NM_001366418.1 (MANE Select); coding-DNA position 3384, G replaced by A.
Protein change: p.Ala1128=; no amino-acid change (alanine 1128 retained).
Molecular consequence: synonymous variant. On other transcripts: non-coding transcript variant (1).
Genome position (GRCh38, 1-based): chr1:150,963,063, G>A. VCF-style: chr1-150963063-G-A. GRCh37 (hg19) VCF-style: chr1-150935539-G-A.
Other names: c.3381G>A, p.Ala1127= (NM_001145415.2, NM_001393960.1, NM_012432.4); c.3384G>A, p.Ala1128= (NM_001366417.1, NM_001393958.1, NM_001393959.1 and 1 more transcripts).
Identifiers: ClinVar variation 2639165 (VCV002639165.24), dbSNP rs145830865, ClinGen allele CA1082177.

ClinVar aggregate classification (germline): Likely benign (1 of 4 stars; one submission).

Allele frequency attached by ClinVar (database versions not stated): ExAC 0.00002; gnomAD exomes 0.00003; gnomAD 0.00007; ESP Exome Variant Server 0.00008; TOPMed 0.00009.
gnomAD v4.1: 55 of 1,614,050 alleles (0.0034%); highest among the groups gnomAD compares: African/African-American, 0.017%; 1 homozygote.

Submission:

CeGaT Center for Human Genetics Tuebingen
Classification: Likely benign. Last evaluated: 2023-02-01. Review status: criteria provided, single submitter. Criteria: CeGaT Center For Human Genetics Tuebingen Variant Classification Criteria Version 2. Collection method: clinical testing. Allele origin: germline. Affected: yes. Observed: 1 variant allele.
Comment: SETDB1: BP4, BP7